The following is an entry in ClinVar:

ClinVar aggregate classification (germline): Uncertain significance (1 of 4 stars; one submission).

Conditions:
Cranioectodermal dysplasia 1 (CED1). Also called: LEVIN SYNDROME I. Identifiers: Orphanet 1515, MedGen C0432235, MONDO:0021093, OMIM 218330.

gnomAD v4.1: 1 of 1,614,238 alleles (0.000062%); highest among the groups gnomAD compares: Admixed American, 0.0017%; no homozygotes.

Submission:

Labcorp Genetics (formerly Invitae), Labcorp
Classification: Uncertain significance for Cranioectodermal dysplasia 1. Last evaluated: 2021-10-10. Review status: criteria provided, single submitter. Criteria: Invitae Variant Classification Sherloc (09022015). Collection method: clinical testing. Allele origin: germline.
Comment: This variant is not present in population databases (ExAC no frequency). In summary, the available evidence is currently insufficient to determine the role of this variant in disease. Therefore, it has been classified as a Variant of Uncertain Significance. Algorithms developed to predict the effect of missense changes on protein structure and function (SIFT, PolyPhen-2, Align-GVGD) all suggest that this variant is likely to be tolerated. This variant has not been reported in the literature in individuals affected with IFT122-related conditions. This sequence change replaces valine with phenylalanine at codon 829 of the IFT122 protein (p.Val829Phe). The valine residue is weakly conserved and there is a small physicochemical difference between valine and phenylalanine.

NM_052989.3(IFT122):c.2332G>T (p.Val778Phe)

Gene: IFT122 (intraflagellar transport 122; plus strand). Cytogenetic location: 3q22.1.
Variant type: single nucleotide variant.
Coding change: c.2332G>T on transcript NM_052989.3 (MANE Select); coding-DNA position 2332, G replaced by T.
Protein change: p.Val778Phe; replaces valine 778 with phenylalanine.
Molecular consequence: missense variant.
Genome position (GRCh38, 1-based): chr3:129,500,025, G>T. VCF-style: chr3-129500025-G-T. GRCh37 (hg19) VCF-style: chr3-129218868-G-T.
Other names: c.2308G>T, p.Val770Phe (NM_001280541.2); c.1882G>T, p.Val628Phe (NM_001280545.2); c.1705G>T, p.Val569Phe (NM_001280546.2); c.2155G>T, p.Val719Phe (NM_018262.4); c.2485G>T, p.Val829Phe (NM_052985.4); c.1999G>T, p.Val667Phe (NM_052990.3); short protein forms V667F, V770F, V778F, V569F, V628F, V719F, V829F.
Identifiers: ClinVar variation 1500941 (VCV001500941.6), dbSNP rs139943115, ClinGen allele CA354482014.